The following is an entry in ClinVar:

ClinVar aggregate classification (germline): Uncertain significance (1 of 4 stars; one submission).

Submission:

Labcorp Genetics (formerly Invitae), Labcorp
Classification: Uncertain significance. Last evaluated: 2025-10-26. Review status: criteria provided, single submitter. Criteria: Invitae Variant Classification Sherloc (09022015). Collection method: clinical testing. Allele origin: germline.
Comment: This sequence change replaces glycine, which is neutral and non-polar, with serine, which is neutral and polar, at codon 50 of the LOR protein (p.Gly50Ser). This variant is not present in population databases (gnomAD no frequency). This variant has not been reported in the literature in individuals affected with LOR-related conditions. Experimental studies and prediction algorithms are not available or were not evaluated, and the functional significance of this variant is currently unknown. In summary, the available evidence is currently insufficient to determine the role of this variant in disease. Therefore, it has been classified as a Variant of Uncertain Significance.

NM_000427.3(LORICRIN):c.148G>A (p.Gly50Ser)

Gene: LORICRIN (loricrin cornified envelope precursor protein; plus strand). Cytogenetic location: 1q21.3.
Variant type: single nucleotide variant.
Coding change: c.148G>A on transcript NM_000427.3 (MANE Select); coding-DNA position 148, G replaced by A.
Protein change: p.Gly50Ser; replaces glycine 50 with serine.
Molecular consequence: missense variant.
Genome position (GRCh38, 1-based): chr1:153,261,097, G>A. VCF-style: chr1-153261097-G-A. GRCh37 (hg19) VCF-style: chr1-153233573-G-A.
Other names: short protein forms G50S.
Identifiers: ClinVar variation 4774280 (VCV004774280.1).